The following is an entry in ClinVar:

NM_005359.6(SMAD4):c.1263A>G (p.Ala421=)

Gene: SMAD4 (SMAD family member 4; plus strand). Cytogenetic location: 18q21.2.
Variant type: single nucleotide variant.
Coding change: c.1263A>G on transcript NM_005359.6 (MANE Select); coding-DNA position 1263, A replaced by G.
Protein change: p.Ala421=; no amino-acid change (alanine 421 retained).
Molecular consequence: synonymous variant.
Genome position (GRCh38, 1-based): chr18:51,067,142, A>G. VCF-style: chr18-51067142-A-G. GRCh37 (hg19) VCF-style: chr18-48593512-A-G.
Identifiers: ClinVar variation 492464 (VCV000492464.20), dbSNP rs1406947861, ClinGen allele CA503874270.

ClinVar aggregate classification (germline): Conflicting classifications of pathogenicity. Review status: criteria provided, conflicting classifications (1 of 4 stars). 6 submissions from 6 submitters: Uncertain significance (1); Benign (1); Likely benign (4). Last evaluated 2025-03-21.

Conditions:
Hereditary cancer-predisposing syndrome. Also called: Hereditary neoplastic syndrome; Tumor predisposition; Neoplastic Syndromes, Hereditary; Hereditary Cancer Syndrome. Identifiers: Orphanet 140162, MedGen C0027672, MeSH D009386, MONDO:0015356.
Familial thoracic aortic aneurysm and aortic dissection (TAAD). Also called: Thoracic aortic aneurysms and dissections. Identifiers: Orphanet 91387, MedGen C4707243, MONDO:0019625.
Juvenile polyposis syndrome (JPS). Identifiers: Orphanet 2929, MedGen C0345893, MONDO:0017380, OMIM 174900.
Juvenile polyposis/hereditary hemorrhagic telangiectasia syndrome (JPHT). Also called: Juvenile Polyposis Syndrome / Hereditary Hemorrhagic Telangiectasia (JPS/HHT); JP/HHT SYNDROME; JUVENILE POLYPOSIS WITH HEREDITARY HEMORRHAGIC TELANGIECTASIA; POLYPOSIS, GENERALIZED JUVENILE, WITH PULMONARY ARTERIOVENOUS MALFORMATION; TELANGIECTASIA, HEREDITARY HEMORRHAGIC, WITH JUVENILE POLYPOSIS COLI. Identifiers: Orphanet 2929, MedGen C1832942, MONDO:0008278, OMIM 175050.

Allele frequency attached by ClinVar (database versions not stated): gnomAD exomes below 0.00001; gnomAD 0.00001.
gnomAD v4.1: 2 of 1,609,856 alleles (0.00012%); highest among the groups gnomAD compares: East Asian, 0.0022%; no homozygotes.

Submissions (6):

Myriad Genetics, Inc.
Classification: Benign for Juvenile polyposis/hereditary hemorrhagic telangiectasia syndrome. Last evaluated: 2025-03-21. Review status: criteria provided, single submitter. Criteria: Myriad Autosomal Dominant, Autosomal Recessive and X-Linked Classification Criteria (2023). Collection method: clinical testing. Allele origin: unknown.
Comment: This variant is considered benign. This variant is a silent/synonymous amino acid change and it is not expected to impact splicing.

Labcorp Genetics (formerly Invitae), Labcorp
Classification: Likely benign for Juvenile polyposis syndrome. Last evaluated: 2024-06-15. Review status: criteria provided, single submitter. Criteria: Invitae Variant Classification Sherloc (09022015). Collection method: clinical testing. Allele origin: germline.

All of Us Research Program, National Institutes of Health
Classification: Likely benign for Juvenile polyposis/hereditary hemorrhagic telangiectasia syndrome. Last evaluated: 2024-04-16. Review status: criteria provided, single submitter. Criteria: ACMG Guidelines, 2015. Collection method: clinical testing. Allele origin: germline. Inheritance: Autosomal dominant inheritance. Observed: 1 variant allele, 1 heterozygote.
Comment: This study involves interpretation of variants in research participants for the purpose of population health screening. Participant phenotype was not available at the time of variant classification. Additional details can be found in publication PMID: 35346344, PMCID: PMC8962531

GeneDx
Classification: Uncertain significance. Last evaluated: 2023-06-22. Review status: criteria provided, single submitter. Criteria: GeneDx Variant Classification Process June 2021. Collection method: clinical testing. Allele origin: germline. Affected: yes.
Comment: Not observed at significant frequency in large population cohorts (gnomAD); In silico analysis supports that this variant does not alter splicing; Has not been previously published as pathogenic or benign to our knowledge

Color Diagnostics, LLC DBA Color Health
Classification: Likely benign for Hereditary cancer-predisposing syndrome. Last evaluated: 2017-05-26. Review status: criteria provided, single submitter. Criteria: ACMG Guidelines, 2015. Collection method: clinical testing. Allele origin: germline.

Ambry Genetics
Classification: Likely benign for Hereditary cancer-predisposing syndrome; Familial thoracic aortic aneurysm and aortic dissection. Last evaluated: 2016-12-21. Review status: criteria provided, single submitter. Criteria: Ambry Variant Classification Scheme 2023. Collection method: clinical testing. Allele origin: germline.